The following is an entry in ClinVar:

NM_018941.4(CLN8):c.837G>T (p.Gln279His)

Gene: CLN8 (CLN8 transmembrane ER and ERGIC protein; plus strand). Cytogenetic location: 8p23.3.
Variant type: single nucleotide variant.
Coding change: c.837G>T on transcript NM_018941.4 (MANE Select); coding-DNA position 837, G replaced by T.
Protein change: p.Gln279His; replaces glutamine 279 with histidine.
Molecular consequence: missense variant.
Genome position (GRCh38, 1-based): chr8:1,780,543, G>T. VCF-style: chr8-1780543-G-T. GRCh37 (hg19) VCF-style: chr8-1728709-G-T.
Other names: p.Q279H:CAG>CAT; short protein forms Q279H.
Identifiers: ClinVar variation 205198 (VCV000205198.8), dbSNP rs774442159, ClinGen allele CA314026.

ClinVar aggregate classification (germline): Uncertain significance. Review status: criteria provided, multiple submitters, no conflicts (2 of 4 stars). 3 submissions from 3 submitters: Uncertain significance (2). 1 of the submissions does not count toward it. Last evaluated 2023-08-21.

Conditions:
Neuronal ceroid lipofuscinosis. Also called: Neuronal Ceroid Lipofuscinoses. Identifiers: Orphanet 216, Orphanet 79263, MedGen C0027877, MONDO:0016295. Disease mechanism: loss of function.

Allele frequency attached by ClinVar (database versions not stated): gnomAD exomes below 0.00001; ExAC 0.00001; gnomAD 0.00002; TOPMed 0.00002.
gnomAD v4.1: 6 of 1,613,998 alleles (0.00037%); highest among the groups gnomAD compares: African/African-American, 0.008%; no homozygotes.

Submissions (3):

GeneDx
Classification: Uncertain significance. Last evaluated: 2023-08-21. Review status: criteria provided, single submitter. Criteria: GeneDx Variant Classification Process June 2021. Collection method: clinical testing. Allele origin: germline. Affected: yes.
Comment: Not observed at significant frequency in large population cohorts (gnomAD); In silico analysis supports that this missense variant does not alter protein structure/function; Has not been previously published as pathogenic or benign to our knowledge

Labcorp Genetics (formerly Invitae), Labcorp
Classification: Uncertain significance for Neuronal ceroid lipofuscinosis. Last evaluated: 2021-08-27. Review status: criteria provided, single submitter. Criteria: Invitae Variant Classification Sherloc (09022015). Collection method: clinical testing. Allele origin: germline.
Comment: This sequence change replaces glutamine with histidine at codon 279 of the CLN8 protein (p.Gln279His). The glutamine residue is highly conserved and there is a small physicochemical difference between glutamine and histidine. This variant is present in population databases (rs774442159, ExAC 0.01%). This variant has not been reported in the literature in individuals affected with CLN8-related conditions. ClinVar contains an entry for this variant (Variation ID: 205198). Algorithms developed to predict the effect of missense changes on protein structure and function are either unavailable or do not agree on the potential impact of this missense change (SIFT: "Deleterious"; PolyPhen-2: "Benign"; Align-GVGD: "Class C0"). In summary, the available evidence is currently insufficient to determine the role of this variant in disease. Therefore, it has been classified as a Variant of Uncertain Significance.

Natera, Inc.
Classification: Uncertain significance for Neuronal ceroid lipofuscinosis. Last evaluated: 2020-03-11. Review status: no assertion criteria provided. Collection method: clinical testing. Allele origin: germline. Not counted in ClinVar's aggregate classification.